The following is an entry in ClinVar:

NM_004006.3(DMD):c.5523G>C (p.Glu1841Asp)

Gene: DMD (dystrophin; minus strand). Cytogenetic location: Xp21.1.
Variant type: single nucleotide variant.
Coding change: c.5523G>C on transcript NM_004006.3 (MANE Select); coding-DNA position 5523, G replaced by C.
Protein change: p.Glu1841Asp; replaces glutamic acid 1841 with aspartic acid.
Molecular consequence: missense variant.
Genome position (GRCh38, 1-based): chrX:32,346,006, C>G on the plus strand (G>C on the coding strand, the complement: DMD is on the minus strand). VCF-style: chrX-32346006-C-G. GRCh37 (hg19) VCF-style: chrX-32364123-C-G.
Other names: c.5499G>C, p.Glu1833Asp (NM_000109.4); c.5511G>C, p.Glu1837Asp (NM_004009.3); c.5154G>C, p.Glu1718Asp (NM_004010.3); c.1500G>C, p.Glu500Asp (NM_004011.4); c.1491G>C, p.Glu497Asp (NM_004012.4); short protein forms E1718D, E1837D, E500D, E1833D, E497D, E1841D.
Identifiers: ClinVar variation 3634819 (VCV003634819.2).

ClinVar aggregate classification (germline): Uncertain significance (1 of 4 stars; one submission).

Conditions:
Duchenne muscular dystrophy (DMD). Also called: MUSCULAR DYSTROPHY, PSEUDOHYPERTROPHIC PROGRESSIVE, DUCHENNE TYPE; Duchenne Muscular Dystrophy (DMD). Identifiers: Orphanet 98896, MedGen C0013264, MONDO:0010679, OMIM 310200.

Submission:

Labcorp Genetics (formerly Invitae), Labcorp
Classification: Uncertain significance for Duchenne muscular dystrophy. Last evaluated: 2024-09-05. Review status: criteria provided, single submitter. Criteria: Invitae Variant Classification Sherloc (09022015). Collection method: clinical testing. Allele origin: germline.
Comment: This sequence change replaces glutamic acid, which is acidic and polar, with aspartic acid, which is acidic and polar, at codon 1841 of the DMD protein (p.Glu1841Asp). This variant is not present in population databases (gnomAD no frequency). This variant has not been reported in the literature in individuals affected with DMD-related conditions. Invitae Evidence Modeling of protein sequence and biophysical properties (such as structural, functional, and spatial information, amino acid conservation, physicochemical variation, residue mobility, and thermodynamic stability) indicates that this missense variant is not expected to disrupt DMD protein function with a negative predictive value of 95%. In summary, the available evidence is currently insufficient to determine the role of this variant in disease. Therefore, it has been classified as a Variant of Uncertain Significance.